The following is an entry in ClinVar:

NM_005996.4(TBX3):c.1028C>T (p.Ser343Leu)

Gene: TBX3 (T-box transcription factor 3; minus strand). Cytogenetic location: 12q24.21.
Variant type: single nucleotide variant.
Coding change: c.1028C>T on transcript NM_005996.4 (MANE Select); coding-DNA position 1028, C replaced by T.
Protein change: p.Ser343Leu; replaces serine 343 with leucine.
Molecular consequence: missense variant.
Genome position (GRCh38, 1-based): chr12:114,676,324, G>A on the plus strand (C>T on the coding strand, the complement: TBX3 is on the minus strand). VCF-style: chr12-114676324-G-A. GRCh37 (hg19) VCF-style: chr12-115114129-G-A.
Other names: c.1088C>T, p.Ser363Leu (NM_016569.4); short protein forms S343L, S363L.
Identifiers: ClinVar variation 3345799 (VCV003345799.1).

ClinVar aggregate classification (germline): Uncertain significance (0 of 4 stars; one submission).

Conditions:
TBX3-related disorder. Also called: TBX3-related condition.

gnomAD v4.1: 8 of 1,613,884 alleles (0.0005%); highest among the groups gnomAD compares: Non-Finnish European, 0.00059%; no homozygotes.

Submission:

PreventionGenetics, part of Exact Sciences
Classification: Uncertain significance for TBX3-related condition. Last evaluated: 2024-05-10. Review status: no assertion criteria provided. Collection method: clinical testing. Allele origin: germline.
Comment: The TBX3 c.1088C>T variant is predicted to result in the amino acid substitution p.Ser363Leu. To our knowledge, this variant has not been reported in the literature or in gnomAD, indicating this variant is rare. At this time, the clinical significance of this variant is uncertain due to the absence of conclusive functional and genetic evidence.